The following is an entry in ClinVar:

NM_001005242.3(PKP2):c.653dup (p.His218fs)

Gene: PKP2 (plakophilin 2; minus strand). Cytogenetic location: 12p11.21.
Variant type: Duplication.
Coding change: c.653dup on transcript NM_001005242.3 (MANE Select); coding-DNA position 653, one base duplicated (A; older notation c.653dupA).
Protein change: p.His218fs; shifts the reading frame from histidine 218.
Molecular consequence: frameshift variant.
Genome position (GRCh38, 1-based): chr12:32,878,227, T duplicated on the plus strand (A on the coding strand, the reverse complement: PKP2 is on the minus strand). VCF-style (leftmost placement, unchanged base first): chr12-32878226-G-GT. GRCh37 (hg19) VCF-style: chr12-33031160-G-GT.
Other names: c.653dup, p.His218fs (NM_001407155.1, NM_001407156.1, NM_001407157.1 and 2 more transcripts); c.326dup, p.His109fs (NM_001407158.1, NM_001407159.1, NM_001407160.1 and 1 more transcripts); short protein forms H218fs, H109fs.
Identifiers: ClinVar variation 3644565 (VCV003644565.2).
Genomic context (GRCh38, chr12:32,878,226, plus strand): 5'-CGGGTTGGCAGGGATGCTGTCAAAAACGGTGTCGCTAACAGAGCCATGCTGGTACTGTCT[G>GT]TGGTATGTGTCAAAGTGGCGCTGCCTGCTTGTGGTGCCAGCACGGCTGACCCCCACGATC-3'

ClinVar aggregate classification (germline): Pathogenic (1 of 4 stars; one submission).

Conditions:
Arrhythmogenic right ventricular dysplasia 9 (ARVD9). Also called: Arrhythmogenic Right Ventricular Dysplasia/Cardiomyopathy 9; ARRHYTHMOGENIC RIGHT VENTRICULAR DYSPLASIA, FAMILIAL, 9. Identifiers: MedGen C1836906, MONDO:0012180, OMIM 609040.

Submission:

Labcorp Genetics (formerly Invitae), Labcorp
Classification: Pathogenic for Arrhythmogenic right ventricular dysplasia 9. Last evaluated: 2024-12-02. Review status: criteria provided, single submitter. Criteria: Invitae Variant Classification Sherloc (09022015). Collection method: clinical testing. Allele origin: germline.
Comment: This sequence change creates a premature translational stop signal (p.His218Glnfs*10) in the PKP2 gene. It is expected to result in an absent or disrupted protein product. Loss-of-function variants in PKP2 are known to be pathogenic (PMID: 15489853, 17041889, 23911551). This variant is not present in population databases (gnomAD no frequency). This variant has not been reported in the literature in individuals affected with PKP2-related conditions. For these reasons, this variant has been classified as Pathogenic.

Literature cited by the submitters: PubMed 15489853; PubMed 17041889; PubMed 23911551.